The following is an entry in ClinVar:

ClinVar aggregate classification (germline): Uncertain significance (1 of 4 stars; one submission).

Conditions:
Inborn genetic diseases. Identifiers: MedGen C0950123, MeSH D030342.

Allele frequency attached by ClinVar (database versions not stated): gnomAD exomes below 0.00001.
gnomAD v4.1: 1 of 1,613,842 alleles (0.000062%); highest among the groups gnomAD compares: Non-Finnish European, 0.000085%; no homozygotes.

Submission:

Ambry Genetics
Classification: Uncertain significance for Inborn genetic diseases. Last evaluated: 2021-05-25. Review status: criteria provided, single submitter. Criteria: Ambry Variant Classification Scheme 2023. Collection method: clinical testing. Allele origin: germline.
Comment: The p.A4930T variant (also known as c.14788G>A), located in coding exon 82 of the DST gene, results from a G to A substitution at nucleotide position 14788. The alanine at codon 4930 is replaced by threonine, an amino acid with similar properties. This amino acid position is highly conserved in available vertebrate species. In addition, the in silico prediction for this alteration is inconclusive. Since supporting evidence is limited at this time, the clinical significance of this alteration remains unclear.

NM_001374736.1(DST):c.21145G>A (p.Ala7049Thr)

Gene: DST (dystonin; minus strand). Cytogenetic location: 6p12.1.
Variant type: single nucleotide variant.
Coding change: c.21145G>A on transcript NM_001374736.1 (MANE Select); coding-DNA position 21145, G replaced by A.
Protein change: p.Ala7049Thr; replaces alanine 7049 with threonine.
Molecular consequence: missense variant.
Genome position (GRCh38, 1-based): chr6:56,485,374, C>T on the plus strand (G>A on the coding strand, the complement: DST is on the minus strand). VCF-style: chr6-56485374-C-T. GRCh37 (hg19) VCF-style: chr6-56350172-C-T.
Other names: c.14788G>A, p.Ala4930Thr (NM_001144769.5); c.14374G>A, p.Ala4792Thr (NM_001144770.2); c.21145G>A, p.Ala7049Thr (NM_001374722.1); c.20185G>A, p.Ala6729Thr (NM_001374729.1); c.13927G>A, p.Ala4643Thr (NM_001374730.1); c.21172G>A, p.Ala7058Thr (NM_001374734.1); c.14254G>A, p.Ala4752Thr (NM_001386100.1, NM_183380.4); c.13276G>A, p.Ala4426Thr (NM_015548.5); short protein forms A7058T, A4426T, A4752T, A4643T, A4792T, A4930T, A6729T, A7049T.
Identifiers: ClinVar variation 1773487 (VCV001773487.2), dbSNP rs2095527477, ClinGen allele CA364512590.